The following is an entry in ClinVar:

NM_173630.4(RTTN):c.5936C>T (p.Ala1979Val)

Gene: RTTN (rotatin; minus strand). Cytogenetic location: 18q22.2.
Variant type: single nucleotide variant.
Coding change: c.5936C>T on transcript NM_173630.4 (MANE Select); coding-DNA position 5936, C replaced by T.
Protein change: p.Ala1979Val; replaces alanine 1979 with valine.
Molecular consequence: missense variant.
Genome position (GRCh38, 1-based): chr18:70,024,736, G>A on the plus strand (C>T on the coding strand, the complement: RTTN is on the minus strand). VCF-style: chr18-70024736-G-A. GRCh37 (hg19) VCF-style: chr18-67691972-G-A.
Other names: c.3200C>T, p.Ala1067Val (NM_001318520.2); short protein forms A1067V, A1979V.
Identifiers: ClinVar variation 2189467 (VCV002189467.2), dbSNP rs1424275889, ClinGen allele CA402684996.

ClinVar aggregate classification (germline): Uncertain significance (1 of 4 stars; one submission).

Allele frequency attached by ClinVar (database versions not stated): TOPMed below 0.00001.
gnomAD v4.1: 4 of 1,613,408 alleles (0.00025%); highest among the groups gnomAD compares: Non-Finnish European, 0.00025%; no homozygotes.

Submission:

Labcorp Genetics (formerly Invitae), Labcorp
Classification: Uncertain significance. Last evaluated: 2023-11-27. Review status: criteria provided, single submitter. Criteria: Invitae Variant Classification Sherloc (09022015). Collection method: clinical testing. Allele origin: germline.
Comment: This sequence change replaces alanine, which is neutral and non-polar, with valine, which is neutral and non-polar, at codon 1979 of the RTTN protein (p.Ala1979Val). This variant is not present in population databases (gnomAD no frequency). This variant has not been reported in the literature in individuals affected with RTTN-related conditions. ClinVar contains an entry for this variant (Variation ID: 2189467). Advanced modeling of protein sequence and biophysical properties (such as structural, functional, and spatial information, amino acid conservation, physicochemical variation, residue mobility, and thermodynamic stability) performed at Invitae indicates that this missense variant is expected to disrupt RTTN protein function with a positive predictive value of 80%. Algorithms developed to predict the effect of sequence changes on RNA splicing suggest that this variant may disrupt the consensus splice site. In summary, the available evidence is currently insufficient to determine the role of this variant in disease. Therefore, it has been classified as a Variant of Uncertain Significance.